The following is an entry in ClinVar:

ClinVar aggregate classification (germline): Likely benign (1 of 4 stars; one submission).

Submission:

GeneDx
Classification: Likely benign. Last evaluated: 2017-11-02. Review status: criteria provided, single submitter. Criteria: GeneDx Variant Classification (06012015). Collection method: clinical testing. Allele origin: germline. Affected: yes.
Comment: This variant is considered likely benign or benign based on one or more of the following criteria: it is a conservative change, it occurs at a poorly conserved position in the protein, it is predicted to be benign by multiple in silico algorithms, and/or has population frequency not consistent with disease.

NM_000156.6(GAMT):c.327+16C>T

Gene: GAMT (guanidinoacetate N-methyltransferase; minus strand). Cytogenetic location: 19p13.3.
Variant type: single nucleotide variant.
Coding change: c.327+16C>T on transcript NM_000156.6 (MANE Select); 16 bases into the intron after coding-DNA position 327, C replaced by T.
Molecular consequence: intron variant.
Genome position (GRCh38, 1-based): chr19:1,399,777, G>A on the plus strand (C>T on the coding strand, the complement: GAMT is on the minus strand). VCF-style: chr19-1399777-G-A. GRCh37 (hg19) VCF-style: chr19-1399776-G-A.
Other names: c.327+16C>T (NM_138924.3).
Identifiers: ClinVar variation 512974 (VCV000512974.1), dbSNP rs1007132706, ClinGen allele CA658799098.